The following is an entry in ClinVar:

NM_000038.6(APC):c.531+2T>C

Gene: APC (APC regulator of Wnt signaling pathway; plus strand). Cytogenetic location: 5q22.2.
Variant type: single nucleotide variant.
Coding change: c.531+2T>C on transcript NM_000038.6 (MANE Select); the canonical splice donor site of the intron after coding-DNA position 531, T replaced by C.
Molecular consequence: splice donor variant.
Genome position (GRCh38, 1-based): chr5:112,775,739, T>C. VCF-style: chr5-112775739-T-C. GRCh37 (hg19) VCF-style: chr5-112111436-T-C.
Other names: c.-505+2T>C (NM_001407470.1, NM_001407472.1, NM_001354906.2 and 1 more transcripts); c.531+2T>C (NM_001407447.1, NM_001354895.2, NM_001407456.1 and 16 more transcripts); c.561+2T>C (NM_001407446.1, NM_001354897.2, NM_001354902.2 and 1 more transcripts); c.354+2T>C (NM_001407453.1, NM_001354900.2, NM_001354901.2 and 1 more transcripts); c.456+2T>C (NM_001407451.1, NM_001354898.2, NM_001354904.2).
Identifiers: ClinVar variation 217995 (VCV000217995.17), dbSNP rs863225365, ClinGen allele CA279807.

ClinVar aggregate classification (germline): Pathogenic. Review status: criteria provided, multiple submitters, no conflicts (2 of 4 stars). 4 submissions from 4 submitters: Pathogenic (3). 1 of the submissions does not count toward it. Last evaluated 2026-02-02.

Conditions:
Hereditary cancer-predisposing syndrome. Also called: Tumor predisposition; Hereditary neoplastic syndrome; Hereditary Cancer Syndrome; Neoplastic Syndromes, Hereditary. Identifiers: Orphanet 140162, MedGen C0027672, MeSH D009386, MONDO:0015356.
Familial adenomatous polyposis 1 (FAP1). Also called: POLYPOSIS, ADENOMATOUS INTESTINAL; FAMILIAL ADENOMATOUS POLYPOSIS 1, ATTENUATED. Identifiers: MedGen C2713442, MONDO:0021056, OMIM 175100. Disease mechanism: loss of function.

Submissions (4):

Ambry Genetics
Classification: Pathogenic for Hereditary cancer-predisposing syndrome. Last evaluated: 2026-02-02. Review status: criteria provided, single submitter. Criteria: Ambry Variant Classification Scheme 2023. Collection method: clinical testing. Allele origin: germline.
Comment: The c.531+2T>C intronic pathogenic mutation results from a T to C substitution two nucleotides after coding exon 4 in the APC gene. This variant was reported in individual(s) with features consistent with familial adenomatous polyposis (Rivera B et al. Ann. Oncol. 2011;22(4):903-9; Ambry internal data). This variant is considered to be rare based on population cohorts in the Genome Aggregation Database (gnomAD). This nucleotide position is highly conserved in available vertebrate species. In silico splice site analysis predicts that this alteration will weaken the native splice donor site. Variants that disrupt the canonical splice site are expected to cause aberrant splicing, resulting in an abnormal protein or a transcript that is subject to nonsense-mediated mRNA decay. As such, this variant is classified as a disease-causing mutation.

Myriad Genetics, Inc.
Classification: Pathogenic for Familial adenomatous polyposis 1. Last evaluated: 2023-04-27. Review status: criteria provided, single submitter. Criteria: Myriad Autosomal Dominant, Autosomal Recessive and X-Linked Classification Criteria (2023). Collection method: clinical testing. Allele origin: unknown.
Comment: This variant is considered pathogenic. This variant occurs within a consensus splice junction and is predicted to result in abnormal mRNA splicing of either an out-of-frame exon or an in-frame exon necessary for protein stability and/or normal function. mRNA analysis has demonstrated abnormal mRNA splicing occurs [PMID: 12010888].

Labcorp Genetics (formerly Invitae), Labcorp
Classification: Pathogenic for Familial adenomatous polyposis 1. Last evaluated: 2021-10-07. Review status: criteria provided, single submitter. Criteria: Invitae Variant Classification Sherloc (09022015). Collection method: clinical testing. Allele origin: germline.
Comment: For these reasons, this variant has been classified as Pathogenic. Studies have shown that disruption of this splice site results in skipping of exon 5 (also known as exon 4) and introduces a premature termination codon (PMID: 15459959). The resulting mRNA is expected to undergo nonsense-mediated decay. ClinVar contains an entry for this variant (Variation ID: 217995). Disruption of this splice site has been observed in individuals with clinical features of familial adenomatous polyposis (FAP) (PMID: 15459959, 20924072, 31113927; Invitae). This variant is not present in population databases (ExAC no frequency). This sequence change affects a donor splice site in intron 5 of the APC gene. RNA analysis indicates that disruption of this splice site induces altered splicing and may result in an absent or disrupted protein product.

Mayo Clinic Laboratories, Mayo Clinic
Classification: Likely pathogenic. Review status: no assertion criteria provided. Collection method: research. Allele origin: unknown. Observed: 1 variant allele. Not counted in ClinVar's aggregate classification.

Literature cited by the submitters: PubMed 12010888 (cited by Myriad Genetics, Inc.); PubMed 15459959 (cited by Labcorp Genetics (formerly Invitae), Labcorp); PubMed 20924072 (cited by Labcorp Genetics (formerly Invitae), Labcorp); PubMed 31113927 (cited by Labcorp Genetics (formerly Invitae), Labcorp).